The following is an entry in ClinVar:

NM_001014.5(RPS10):c.312T>A (p.Pro104=)

Genes: RPS10 (ribosomal protein S10; minus strand), RPS10-NUDT3 (RPS10-NUDT3 readthrough; minus strand). Cytogenetic location: 6p21.31.
Variant type: single nucleotide variant.
Coding change: c.312T>A on transcript NM_001014.5 (MANE Select); coding-DNA position 312, T replaced by A.
Protein change: p.Pro104=; no amino-acid change (proline 104 retained).
Molecular consequence: synonymous variant.
Genome position (GRCh38, 1-based): chr6:34,424,679, A>T on the plus strand (T>A on the coding strand, the complement: RPS10 is on the minus strand). VCF-style: chr6-34424679-A-T. GRCh37 (hg19) VCF-style: chr6-34392456-A-T.
Other names: c.312T>A, p.Pro104= (NM_001202470.3, NM_001203245.3, NM_001204091.2).
Identifiers: ClinVar variation 1558422 (VCV001558422.13), dbSNP rs775998609, ClinGen allele CA3765078.

ClinVar aggregate classification (germline): Likely benign. Review status: criteria provided, multiple submitters, no conflicts (2 of 4 stars). 4 submissions from 4 submitters: Likely benign (3). 1 of the submissions does not count toward it. Last evaluated 2022-04-28.

Conditions:
RPS10-related disorder. Also called: RPS10-related condition.
Diamond-Blackfan anemia. Also called: Blackfan Diamond syndrome; Aregenerative anemia chronic congenital; Red cell aplasia, pure hereditary; Congenital hypoplastic anemia; Aase syndrome. Identifiers: Orphanet 124, MedGen C1260899, MeSH D029503, MONDO:0015253, HP:0004810.
Diamond-Blackfan anemia 9 (DBA9). Also called: RPS10-Related Diamond-Blackfan Anemia. Identifiers: Orphanet 124, MedGen C2750081, MONDO:0013216, OMIM 613308.

Allele frequency attached by ClinVar (database versions not stated): gnomAD exomes 0.00001; ExAC 0.00002.
gnomAD v4.1: 24 of 1,614,138 alleles (0.0015%); highest among the groups gnomAD compares: Non-Finnish European, 0.002%; no homozygotes.

Submissions (4):

Fulgent Genetics
Classification: Likely benign for Diamond-Blackfan anemia 9. Last evaluated: 2022-04-28. Review status: criteria provided, single submitter. Criteria: ACMG Guidelines, 2015. Collection method: clinical testing. Allele origin: unknown.

Ambry Genetics
Classification: Likely benign for Diamond-Blackfan anemia. Last evaluated: 2021-04-13. Review status: criteria provided, single submitter. Criteria: Ambry Variant Classification Scheme 2023. Collection method: clinical testing. Allele origin: germline.

Labcorp Genetics (formerly Invitae), Labcorp
Classification: Likely benign for Diamond-Blackfan anemia. Last evaluated: 2021-03-21. Review status: criteria provided, single submitter. Criteria: Invitae Variant Classification Sherloc (09022015). Collection method: clinical testing. Allele origin: germline.

PreventionGenetics, part of Exact Sciences
Classification: Likely benign for RPS10-related condition. Last evaluated: 2019-07-24. Review status: no assertion criteria provided. Collection method: clinical testing. Allele origin: germline. Not counted in ClinVar's aggregate classification.
Comment: This variant is classified as likely benign based on ACMG/AMP sequence variant interpretation guidelines (Richards et al. 2015 PMID: 25741868, with internal and published modifications).